The following is an entry in ClinVar:

NM_017837.4(PIGV):c.101C>T (p.Pro34Leu)

Gene: PIGV (phosphatidylinositol glycan anchor biosynthesis class V; plus strand). Cytogenetic location: 1p36.11.
Variant type: single nucleotide variant.
Coding change: c.101C>T on transcript NM_017837.4 (MANE Select); coding-DNA position 101, C replaced by T.
Protein change: p.Pro34Leu; replaces proline 34 with leucine.
Molecular consequence: missense variant. On other transcripts: 5 prime UTR variant (1), non-coding transcript variant (2), intron variant (1).
Genome position (GRCh38, 1-based): chr1:26,794,135, C>T. VCF-style: chr1-26794135-C-T. GRCh37 (hg19) VCF-style: chr1-27120626-C-T.
Other names: c.101C>T, p.Pro34Leu (NM_001202554.2, NM_001374478.1, NM_001374480.1 and 4 more transcripts); c.-281C>T (NM_001374483.1); c.78+3242C>T (NM_001374486.1); short protein forms P34L.
Identifiers: ClinVar variation 297114 (VCV000297114.18), dbSNP rs139246652, ClinGen allele CA707995.
Genomic context (GRCh38, chr1:26,794,135, plus strand): 5'-TTACTCAACCAAAATTCTGGTTTTTCTTTACTCCACAGGCCCTCTTCAATGCCATCATCC[C>T]AGATCACCATGCAGAAGCCTTCTCTCCTCCTCGCCTGGCCCCCTCAGGCTTTGTGGACCA-3'
Protein context (NP_060307.2, residues 24-44): MLQALFNAII[Pro34Leu]DHHAEAFSPP

ClinVar aggregate classification (germline): Benign/Likely benign. Review status: criteria provided, multiple submitters, no conflicts (2 of 4 stars). 5 submissions from 5 submitters: Benign (3); Likely benign (1). 1 of the submissions does not count toward it. Last evaluated 2026-01-28.

Conditions:
PIGV-related disorder. Also called: PIGV-related disorders; PIGV-related condition.
Hyperphosphatasia with impaired intellectual development syndrome 1. Also called: MABRY SYNDROME; GLYCOSYLPHOSPHATIDYLINOSITOL BIOSYNTHESIS DEFECT 2; Hyperphosphatasia with intellectual disability syndrome 1. Identifiers: Orphanet 247262, MedGen C4551502, MONDO:0009398, OMIM 239300.

Allele frequency attached by ClinVar (database versions not stated): 1000 Genomes Project 0.00359; 1000 Genomes Project 30x 0.00437; ESP Exome Variant Server 0.00615; gnomAD exomes 0.00076 and 0.00174; TOPMed 0.00498; gnomAD 0.00505 and 0.00475; ExAC 0.00199.
gnomAD v4.1: 1,893 of 1,614,228 alleles (0.12%); highest among the groups gnomAD compares: African/African-American, 1.6%; 20 homozygotes.

Submissions (5):

Labcorp Genetics (formerly Invitae), Labcorp
Classification: Benign. Last evaluated: 2026-01-28. Review status: criteria provided, single submitter. Criteria: Invitae Variant Classification Sherloc (09022015). Collection method: clinical testing. Allele origin: germline.

Fulgent Genetics
Classification: Likely benign for Hyperphosphatasia with impaired intellectual development syndrome 1. Last evaluated: 2022-01-24. Review status: criteria provided, single submitter. Criteria: ACMG Guidelines, 2015. Collection method: clinical testing. Allele origin: unknown.

Illumina Laboratory Services, Illumina
Classification: Benign for Hyperphosphatasia with impaired intellectual development syndrome 1. Last evaluated: 2018-01-12. Review status: criteria provided, single submitter. Criteria: ICSL Variant Classification Criteria 13 December 2019. Collection method: clinical testing. Allele origin: germline.
Comment: This variant was observed in the ICSL laboratory as part of a predisposition screen in an ostensibly healthy population. It had not been previously curated by ICSL or reported in the Human Gene Mutation Database (HGMD: prior to June 1st, 2018), and was therefore a candidate for classification through an automated scoring system. Utilizing variant allele frequency, disease prevalence and penetrance estimates, and inheritance mode, an automated score was calculated to assess if this variant is too frequent to cause the disease. Based on the score and internal cut-off values, a variant classified as benign is not then subjected to further curation. The score for this variant resulted in a classification of benign for this disease.

GeneDx
Classification: Benign. Last evaluated: 2017-11-27. Review status: criteria provided, single submitter. Criteria: GeneDx Variant Classification (06012015). Collection method: clinical testing. Allele origin: germline. Affected: yes.
Comment: This variant is considered likely benign or benign based on one or more of the following criteria: it is a conservative change, it occurs at a poorly conserved position in the protein, it is predicted to be benign by multiple in silico algorithms, and/or has population frequency not consistent with disease.

PreventionGenetics, part of Exact Sciences
Classification: Benign for PIGV-related condition. Last evaluated: 2019-03-05. Review status: no assertion criteria provided. Collection method: clinical testing. Allele origin: germline. Not counted in ClinVar's aggregate classification.
Comment: This variant is classified as benign based on ACMG/AMP sequence variant interpretation guidelines (Richards et al. 2015 PMID: 25741868, with internal and published modifications).